The following is an entry in ClinVar:

ClinVar aggregate classification (germline): Uncertain significance (1 of 4 stars; one submission).

Conditions:
Bifunctional peroxisomal enzyme deficiency (DBIF). Also called: DBP DEFICIENCY; D-bifunctional protein deficiency; PBFE DEFICIENCY. Identifiers: Orphanet 300, MedGen C0342870, MONDO:0009855, OMIM 261515. Disease mechanism: loss of function.
Perrault syndrome. Also called: Gonadal dysgenesis with auditory dysfunction, autosomal recessive inheritance. Identifiers: Orphanet 2855, MedGen C0685838, MONDO:0017312.

gnomAD v4.1: 24 of 1,612,816 alleles (0.0015%); highest among the groups gnomAD compares: Non-Finnish European, 0.0016%; no homozygotes.

Submission:

Labcorp Genetics (formerly Invitae), Labcorp
Classification: Uncertain significance for Perrault syndrome; Bifunctional peroxisomal enzyme deficiency. Last evaluated: 2021-11-03. Review status: criteria provided, single submitter. Criteria: Invitae Variant Classification Sherloc (09022015). Collection method: clinical testing. Allele origin: germline.
Comment: This sequence change replaces alanine, which is neutral and non-polar, with glycine, which is neutral and non-polar, at codon 54 of the HSD17B4 protein (p.Ala54Gly). This variant is present in population databases (rs141517981, gnomAD 0.006%). This variant has not been reported in the literature in individuals affected with HSD17B4-related conditions. Advanced modeling of protein sequence and biophysical properties (such as structural, functional, and spatial information, amino acid conservation, physicochemical variation, residue mobility, and thermodynamic stability) performed at Invitae indicates that this missense variant is not expected to disrupt HSD17B4 protein function. Algorithms developed to predict the effect of sequence changes on RNA splicing suggest that this variant may create or strengthen a splice site. In summary, the available evidence is currently insufficient to determine the role of this variant in disease. Therefore, it has been classified as a Variant of Uncertain Significance.

NM_000414.4(HSD17B4):c.161C>G (p.Ala54Gly)

Gene: HSD17B4 (hydroxysteroid 17-beta dehydrogenase 4; plus strand). Cytogenetic location: 5q23.1.
Variant type: single nucleotide variant.
Coding change: c.161C>G on transcript NM_000414.4 (MANE Select); coding-DNA position 161, C replaced by G.
Protein change: p.Ala54Gly; replaces alanine 54 with glycine.
Molecular consequence: missense variant. On other transcripts: 5 prime UTR variant (6), non-coding transcript variant (2).
Genome position (GRCh38, 1-based): chr5:119,473,956, C>G. VCF-style: chr5-119473956-C-G. GRCh37 (hg19) VCF-style: chr5-118809651-C-G.
Other names: c.236C>G, p.Ala79Gly (NM_001199291.3); c.107C>G, p.Ala36Gly (NM_001199292.2); c.89C>G, p.Ala30Gly (NM_001292027.2); c.-251C>G (NM_001292028.2, NM_001374501.1); c.161C>G, p.Ala54Gly (NM_001374497.1, NM_001374498.1); c.-120C>G (NM_001374499.1); c.-378C>G (NM_001374500.1); c.-256C>G (NM_001374502.1, NM_001374503.1); short protein forms A79G, A36G, A30G, A54G.
Identifiers: ClinVar variation 1422657 (VCV001422657.3), dbSNP rs141517981, ClinGen allele CA3381704.
Genomic context (GRCh38, chr5:119,473,956, plus strand): 5'-TTTGCATTACAGTGAATGATTTGGGAGGGGACTTCAAAGGAGTTGGTAAAGGCTCCTTAG[C>G]TGCTGATAAGGTTGTTGAAGAAATAAGAAGGAGAGGTGGAAAAGCAGTGGCCAACTATGG-3'
Protein context (NP_000405.1, residues 44-64): DFKGVGKGSL[Ala54Gly]ADKVVEEIRR